The following is an entry in ClinVar:

NM_002005.4(FES):c.1926C>A (p.Gly642=)

Gene: FES (FES proto-oncogene, tyrosine kinase; plus strand). Cytogenetic location: 15q26.1.
Variant type: single nucleotide variant.
Coding change: c.1926C>A on transcript NM_002005.4 (MANE Select); coding-DNA position 1926, C replaced by A.
Protein change: p.Gly642=; no amino-acid change (glycine 642 retained).
Molecular consequence: synonymous variant.
Genome position (GRCh38, 1-based): chr15:90,893,295, C>A. VCF-style: chr15-90893295-C-A. GRCh37 (hg19) VCF-style: chr15-91436525-C-A.
Other names: c.1752C>A, p.Gly584= (NM_001143783.1); c.1716C>A, p.Gly572= (NM_001143784.1); c.1542C>A, p.Gly514= (NM_001143785.2); c.1926C>A (NM_002005.3).
Identifiers: ClinVar variation 2645713 (VCV002645713.25), dbSNP rs143228307, ClinGen allele CA7740799.

ClinVar aggregate classification (germline): Likely benign. Review status: criteria provided, multiple submitters, no conflicts (2 of 4 stars). 2 submissions from 2 submitters: Likely benign (2). Last evaluated 2026-07-01.

Allele frequency attached by ClinVar (database versions not stated): 1000 Genomes Project 30x 0.00031; ESP Exome Variant Server 0.00439.
gnomAD v4.1: 5,652 of 1,597,168 alleles (0.35%); highest among the groups gnomAD compares: Non-Finnish European, 0.44%; 21 homozygotes.

Submissions (2):

Ambry Genetics
Classification: Likely benign. Last evaluated: 2026-07-01. Review status: criteria provided, single submitter. Criteria: Ambry Variant Classification Scheme 2023. Collection method: clinical testing. Allele origin: germline.

CeGaT Center for Human Genetics Tuebingen
Classification: Likely benign. Last evaluated: 2022-04-01. Review status: criteria provided, single submitter. Criteria: CeGaT Center For Human Genetics Tuebingen Variant Classification Criteria Version 2. Collection method: clinical testing. Allele origin: germline. Affected: yes. Observed: 1 variant allele.
Comment: FES: BP4, BP7